The following is an entry in ClinVar:

NM_002354.3(EPCAM):c.159A>C (p.Ala53=)

Gene: EPCAM (epithelial cell adhesion molecule; plus strand). Cytogenetic location: 2p21.
Variant type: single nucleotide variant.
Coding change: c.159A>C on transcript NM_002354.3 (MANE Select); coding-DNA position 159, A replaced by C.
Protein change: p.Ala53=; no amino-acid change (alanine 53 retained).
Molecular consequence: synonymous variant.
Genome position (GRCh38, 1-based): chr2:47,373,545, A>C. VCF-style: chr2-47373545-A-C. GRCh37 (hg19) VCF-style: chr2-47600684-A-C.
Identifiers: ClinVar variation 136017 (VCV000136017.32), dbSNP rs150562209, ClinGen allele CA186835.

ClinVar aggregate classification (germline): Benign/Likely benign. Review status: criteria provided, multiple submitters, no conflicts (2 of 4 stars). 8 submissions from 8 submitters: Benign (4); Likely benign (3). 1 of the submissions does not count toward it. Last evaluated 2025-12-10.

Conditions:
Hereditary cancer-predisposing syndrome. Also called: Tumor predisposition; Hereditary neoplastic syndrome; Hereditary Cancer Syndrome; Neoplastic Syndromes, Hereditary. Identifiers: Orphanet 140162, MedGen C0027672, MeSH D009386, MONDO:0015356.
Lynch syndrome 8 (LYNCH8). Also called: Colorectal cancer, hereditary nonpolyposis, type 8. Identifiers: Orphanet 144, MedGen C2750471, MONDO:0013196, OMIM 613244.

Allele frequency attached by ClinVar (database versions not stated): ESP Exome Variant Server 0.00031; TOPMed 0.00102; gnomAD 0.00105; 1000 Genomes Project 30x 0.00312; 1000 Genomes Project 0.00359.
gnomAD v4.1: 685 of 1,613,076 alleles (0.042%); highest among the groups gnomAD compares: East Asian, 1.1%; 13 homozygotes.

Submissions (8):

Labcorp Genetics (formerly Invitae), Labcorp
Classification: Benign. Last evaluated: 2025-12-10. Review status: criteria provided, single submitter. Criteria: Invitae Variant Classification Sherloc (09022015). Collection method: clinical testing. Allele origin: germline.

CeGaT Center for Human Genetics Tuebingen
Classification: Benign. Last evaluated: 2025-02-01. Review status: criteria provided, single submitter. Criteria: CeGaT Center For Human Genetics Tuebingen Variant Classification Criteria Version 2. Collection method: clinical testing. Allele origin: germline. Affected: yes. Observed: 1 variant allele.
Comment: EPCAM: BP4, BP7, BS1, BS2

Blueprint Genetics
Classification: Likely benign. Last evaluated: 2024-10-09. Review status: criteria provided, single submitter. Criteria: ACMG Guidelines, 2015. Collection method: clinical testing. Allele origin: germline.

KCCC/NGS Laboratory, Kuwait Cancer Control Center
Classification: Benign for Lynch syndrome 8. Last evaluated: 2023-07-07. Review status: criteria provided, single submitter. Criteria: ACMG Guidelines, 2015. Collection method: clinical testing. Allele origin: germline. Affected: yes.

Ambry Genetics
Classification: Likely benign for Hereditary cancer-predisposing syndrome. Last evaluated: 2022-05-17. Review status: criteria provided, single submitter. Criteria: Ambry Variant Classification Scheme 2023. Collection method: clinical testing. Allele origin: germline.

GeneDx
Classification: Likely benign. Last evaluated: 2021-02-28. Review status: criteria provided, single submitter. Criteria: GeneDx Variant Classification Process June 2021. Collection method: clinical testing. Allele origin: germline. Affected: yes.

PreventionGenetics, part of Exact Sciences
Classification: Benign. Last evaluated: 2017-02-10. Review status: criteria provided, single submitter. Criteria: ACMG Guidelines, 2015. Collection method: clinical testing. Allele origin: germline.

True Health Diagnostics
Classification: Likely benign for Hereditary cancer-predisposing syndrome. Last evaluated: 2017-09-13. Review status: no assertion criteria provided. Collection method: clinical testing. Allele origin: germline. Not counted in ClinVar's aggregate classification.